The following is an entry in ClinVar:

NM_205836.3(FBXO38):c.1196T>C (p.Phe399Ser)

Gene: FBXO38 (F-box protein 38; plus strand). Cytogenetic location: 5q32.
Variant type: single nucleotide variant.
Coding change: c.1196T>C on transcript NM_205836.3 (MANE Select); coding-DNA position 1196, T replaced by C.
Protein change: p.Phe399Ser; replaces phenylalanine 399 with serine.
Molecular consequence: missense variant.
Genome position (GRCh38, 1-based): chr5:148,414,238, T>C. VCF-style: chr5-148414238-T-C. GRCh37 (hg19) VCF-style: chr5-147793801-T-C.
Other names: c.1196T>C, p.Phe399Ser (NM_001271723.2, NM_030793.5); short protein forms F399S.
Identifiers: ClinVar variation 3662847 (VCV003662847.2).

ClinVar aggregate classification (germline): Uncertain significance (1 of 4 stars; one submission).

Conditions:
Distal hereditary motor neuropathy type 2. Identifiers: Orphanet 139525, MedGen C3711384, MeSH C580044, MONDO:0015352.

gnomAD v4.1: 1 of 1,612,878 alleles (0.000062%); highest among the groups gnomAD compares: Non-Finnish European, 0.000085%; no homozygotes.

Submission:

Labcorp Genetics (formerly Invitae), Labcorp
Classification: Uncertain significance for Distal hereditary motor neuropathy type 2. Last evaluated: 2024-08-19. Review status: criteria provided, single submitter. Criteria: Invitae Variant Classification Sherloc (09022015). Collection method: clinical testing. Allele origin: germline.
Comment: This sequence change replaces phenylalanine, which is neutral and non-polar, with serine, which is neutral and polar, at codon 399 of the FBXO38 protein (p.Phe399Ser). This variant is not present in population databases (gnomAD no frequency). This variant has not been reported in the literature in individuals affected with FBXO38-related conditions. Invitae Evidence Modeling of protein sequence and biophysical properties (such as structural, functional, and spatial information, amino acid conservation, physicochemical variation, residue mobility, and thermodynamic stability) indicates that this missense variant is not expected to disrupt FBXO38 protein function with a negative predictive value of 80%. In summary, the available evidence is currently insufficient to determine the role of this variant in disease. Therefore, it has been classified as a Variant of Uncertain Significance.